The following is an entry in ClinVar:

ClinVar aggregate classification (germline): Uncertain significance (1 of 4 stars; one submission).

Conditions:
Epileptic encephalopathy. Identifiers: MedGen C0543888, HP:0200134.

gnomAD v4.1: 2 of 1,612,560 alleles (0.00012%); highest among the groups gnomAD compares: Non-Finnish European, 0.000085%; no homozygotes.

Submission:

Labcorp Genetics (formerly Invitae), Labcorp
Classification: Uncertain significance for Epileptic encephalopathy. Last evaluated: 2022-03-19. Review status: criteria provided, single submitter. Criteria: Invitae Variant Classification Sherloc (09022015). Collection method: clinical testing. Allele origin: germline.
Comment: This sequence change replaces leucine, which is neutral and non-polar, with valine, which is neutral and non-polar, at codon 2948 of the RYR3 protein (p.Leu2948Val). This variant has not been reported in the literature in individuals affected with RYR3-related conditions. This variant is not present in population databases (gnomAD no frequency). Algorithms developed to predict the effect of missense changes on protein structure and function are either unavailable or do not agree on the potential impact of this missense change (SIFT: "Deleterious"; PolyPhen-2: "Benign"; Align-GVGD: "Class C0"). In summary, the available evidence is currently insufficient to determine the role of this variant in disease. Therefore, it has been classified as a Variant of Uncertain Significance.

NM_001036.6(RYR3):c.8842C>G (p.Leu2948Val)

Gene: RYR3 (ryanodine receptor 3; plus strand). Cytogenetic location: 15q14.
Variant type: single nucleotide variant.
Coding change: c.8842C>G on transcript NM_001036.6 (MANE Select); coding-DNA position 8842, C replaced by G.
Protein change: p.Leu2948Val; replaces leucine 2948 with valine.
Molecular consequence: missense variant.
Genome position (GRCh38, 1-based): chr15:33,771,945, C>G. VCF-style: chr15-33771945-C-G. GRCh37 (hg19) VCF-style: chr15-34064146-C-G.
Other names: c.8842C>G, p.Leu2948Val (NM_001243996.4); short protein forms L2948V.
Identifiers: ClinVar variation 2090752 (VCV002090752.4), dbSNP rs2506463683, ClinGen allele CA391588259.